The following is an entry in ClinVar:

ClinVar aggregate classification (germline): Likely benign (1 of 4 stars; one submission).

gnomAD v4.1: 25 of 398,924 alleles (0.0063%); highest among the groups gnomAD compares: Non-Finnish European, 0.008%; no homozygotes.

Submission:

CeGaT Center for Human Genetics Tuebingen
Classification: Likely benign. Last evaluated: 2026-09-01. Review status: criteria provided, single submitter. Criteria: CeGaT Center For Human Genetics Tuebingen Variant Classification Criteria Version 2. Collection method: clinical testing. Allele origin: germline. Affected: yes. Observed: 1 variant allele.
Comment: CIC: BP4, BP7

NM_001386298.1(CIC):c.1188C>T (p.His396=)

Gene: CIC (capicua transcriptional repressor; plus strand). Cytogenetic location: 19q13.2.
Variant type: single nucleotide variant.
Coding change: c.1188C>T on transcript NM_001386298.1 (MANE Select); coding-DNA position 1188, C replaced by T.
Protein change: p.His396=; no amino-acid change (histidine 396 retained).
Molecular consequence: synonymous variant.
Genome position (GRCh38, 1-based): chr19:42,272,971, C>T. VCF-style: chr19-42272971-C-T. GRCh37 (hg19) VCF-style: chr19-42777123-C-T.
Other names: c.1188C>T, p.His396= (NM_001304815.2, NM_001379480.1, NM_001379482.1 and 6 more transcripts).
Identifiers: ClinVar variation 5041252 (VCV005041252.1).